The following is an entry in ClinVar:

NM_000558.5(HBA1):c.301-1G>A

Genes: HBA1 (hemoglobin subunit alpha 1; plus strand), LOC106804613 (hemoglobin subunit alpha 1 recombination region; plus strand). Cytogenetic location: 16p13.3.
Variant type: single nucleotide variant.
Coding change: c.301-1G>A on transcript NM_000558.5 (MANE Select); the canonical splice acceptor site of the intron before coding-DNA position 301, G replaced by A.
Molecular consequence: splice acceptor variant.
Genome position (GRCh38, 1-based): chr16:177,282, G>A. VCF-style: chr16-177282-G-A. GRCh37 (hg19) VCF-style: chr16-227281-G-A.
Identifiers: ClinVar variation 4814396 (VCV004814396.1).

ClinVar aggregate classification (germline): Likely pathogenic (1 of 4 stars; one submission).

Conditions:
alpha Thalassemia. Also called: Alpha thalassemia spectrum. Identifiers: Orphanet 846, MedGen C0002312, MONDO:0011399, OMIM 604131.

gnomAD v4.1: 1 of 1,613,346 alleles (0.000062%); highest among the groups gnomAD compares: Non-Finnish European, 0.000085%; no homozygotes.

Submission:

Natera, Inc.
Classification: Likely pathogenic for Alpha thalassemia. Last evaluated: 2025-07-23. Review status: criteria provided, single submitter. Criteria: Natera Variant Classification Schema (03/2026). Collection method: clinical testing. Allele origin: germline.
Comment: The c.301-1G>A variant in HBA1 is a canonical splice acceptor site variant predicted to affect pre-mRNA splicing, which may result in an abnormal transcript and altered protein product. This variant is expected to result in nonsense mediated decay, truncation, or a dysfunctional protein product. This variant is rare in the general population with a frequency below the threshold expected for the associated phenotype(s). Given the available evidence, this variant is classified as Likely Pathogenic.